The following is an entry in ClinVar:

NM_001040108.2(MLH3):c.3521A>C (p.Asn1174Thr)

Gene: MLH3 (mutL homolog 3; minus strand). Cytogenetic location: 14q24.3.
Variant type: single nucleotide variant.
Coding change: c.3521A>C on transcript NM_001040108.2 (MANE Select); coding-DNA position 3521, A replaced by C.
Protein change: p.Asn1174Thr; replaces asparagine 1174 with threonine.
Molecular consequence: missense variant.
Genome position (GRCh38, 1-based): chr14:75,039,960, T>G on the plus strand (A>C on the coding strand, the complement: MLH3 is on the minus strand). VCF-style: chr14-75039960-T-G. GRCh37 (hg19) VCF-style: chr14-75506663-T-G.
Other names: c.3521A>C, p.Asn1174Thr (NM_014381.3); short protein forms N1174T.
Identifiers: ClinVar variation 2497069 (VCV002497069.5), dbSNP rs759563900, ClinGen allele CA7275464.

ClinVar aggregate classification (germline): Uncertain significance. Review status: criteria provided, multiple submitters, no conflicts (2 of 4 stars). 2 submissions from 2 submitters: Uncertain significance (2). Last evaluated 2025-05-24.

Conditions:
Colorectal cancer, hereditary nonpolyposis, type 7. Identifiers: Orphanet 144, MedGen C1858380, MONDO:0013725, OMIM 614385.

Allele frequency attached by ClinVar (database versions not stated): ExAC 0.00001; gnomAD 0.00001; TOPMed 0.00004.
gnomAD v4.1: 3 of 1,598,106 alleles (0.00019%); highest among the groups gnomAD compares: African/African-American, 0.0041%; no homozygotes.

Submissions (2):

Ambry Genetics
Classification: Uncertain significance. Last evaluated: 2025-05-24. Review status: criteria provided, single submitter. Criteria: Ambry Variant Classification Scheme 2023. Collection method: clinical testing. Allele origin: germline.
Comment: The p.N1174T variant (also known as c.3521A>C), located in coding exon 4 of the MLH3 gene, results from an A to C substitution at nucleotide position 3521. The asparagine at codon 1174 is replaced by threonine, an amino acid with similar properties. This amino acid position is conserved. In addition, the in silico prediction for this alteration is inconclusive. Since supporting evidence is limited at this time, the clinical significance of this alteration remains unclear.

Labcorp Genetics (formerly Invitae), Labcorp
Classification: Uncertain significance for Colorectal cancer, hereditary nonpolyposis, type 7. Last evaluated: 2024-03-07. Review status: criteria provided, single submitter. Criteria: Invitae Variant Classification Sherloc (09022015). Collection method: clinical testing. Allele origin: germline.
Comment: This sequence change replaces asparagine, which is neutral and polar, with threonine, which is neutral and polar, at codon 1174 of the MLH3 protein (p.Asn1174Thr). This variant is not present in population databases (gnomAD no frequency). This variant has not been reported in the literature in individuals affected with MLH3-related conditions. ClinVar contains an entry for this variant (Variation ID: 2497069). An algorithm developed to predict the effect of missense changes on protein structure and function (PolyPhen-2) suggests that this variant is likely to be disruptive. In summary, the available evidence is currently insufficient to determine the role of this variant in disease. Therefore, it has been classified as a Variant of Uncertain Significance.